The following is an entry in ClinVar:

ClinVar aggregate classification (germline): Pathogenic (1 of 4 stars; one submission).

Conditions:
Familial thoracic aortic aneurysm and aortic dissection (TAAD). Also called: Thoracic aortic aneurysms and dissections. Identifiers: Orphanet 91387, MedGen C4707243, MONDO:0019625.
Marfan syndrome (MFS). Also called: FBN1-Related Marfan Syndrome; Marfan syndrome type 1; Marfan's syndrome; Marfan syndrome, classic; MARFAN SYNDROME, TYPE I. Identifiers: Orphanet 284963, Orphanet 558, MedGen C0024796, MONDO:0007947, OMIM 154700.

Submission:

Labcorp Genetics (formerly Invitae), Labcorp
Classification: Pathogenic for Marfan syndrome; Familial thoracic aortic aneurysm and aortic dissection. Last evaluated: 2018-08-12. Review status: criteria provided, single submitter. Criteria: Invitae Variant Classification Sherloc (09022015). Collection method: clinical testing. Allele origin: germline.
Comment: This variant affects a cysteine residue in the EGF-like, TGFBP or hybrid motif domains FBN1. Cysteine residues are believed to be involved in intramolecular disulfide bridges and have been shown to be important for FBN1 protein structure (PMID: 16905551, 19349279). In addition, missense substitutions affecting cysteine residues within these domains are significantly overrepresented among patients with Marfan syndrome (PMID: 16571647, 17701892). For these reasons, this variant has been classified as Pathogenic. Variants that disrupt the p.Cys805 amino acid residue in FBN1 have been observed in affected individuals (PMID: 20564469, 17627385, 25053872, Invitae). This suggests that it is a clinically significant residue, and that other variants that disrupt this residue are likely to be causative of disease. This variant is not present in population databases (ExAC no frequency). This sequence change replaces cysteine with tyrosine at codon 805 of the FBN1 protein (p.Cys805Tyr). The cysteine residue is highly conserved and there is a large physicochemical difference between cysteine and tyrosine.

Literature cited by the submitters: PubMed 16905551; PubMed 19349279; PubMed 16571647; PubMed 17701892; PubMed 20564469; PubMed 17627385; PubMed 25053872.

NM_000138.5(FBN1):c.2414G>A (p.Cys805Tyr)

Gene: FBN1 (fibrillin 1; minus strand). Cytogenetic location: 15q21.1.
Variant type: single nucleotide variant.
Coding change: c.2414G>A on transcript NM_000138.5 (MANE Select); coding-DNA position 2414, G replaced by A.
Protein change: p.Cys805Tyr; replaces cysteine 805 with tyrosine.
Molecular consequence: missense variant.
Genome position (GRCh38, 1-based): chr15:48,496,105, C>T on the plus strand (G>A on the coding strand, the complement: FBN1 is on the minus strand). VCF-style: chr15-48496105-C-T. GRCh37 (hg19) VCF-style: chr15-48788302-C-T.
Other names: short protein forms C805Y.
Identifiers: ClinVar variation 656190 (VCV000656190.8), dbSNP rs1597569553, ClinGen allele CA392335105.
Genomic context (GRCh38, chr15:48,496,105, plus strand): 5'-ATGGCATTCCAAAAGATAGCAAAGTACACAGTATAAGAACAAAAATATGGTTTACCTTCA[C>T]ATGTTTTTAGATCAGGTTTGTAGATAAATCCCTTGGGGCAGGTACAGACAAAACTTCCAG-3'
Protein context (NP_000129.3, residues 795-815): GFIYKPDLKT[Cys805Tyr]EDIDECESSP